The following is an entry in ClinVar:

ClinVar aggregate classification (germline): Uncertain significance (1 of 4 stars; one submission).

Conditions:
Combined oxidative phosphorylation defect type 27. Also called: Combined oxidative phosphorylation deficiency 27. Identifiers: Orphanet 477774, MedGen C5567608, MONDO:0014728, OMIM 616672.

Submission:

Labcorp Genetics (formerly Invitae), Labcorp
Classification: Uncertain significance for Combined oxidative phosphorylation defect type 27. Last evaluated: 2022-01-27. Review status: criteria provided, single submitter. Criteria: Invitae Variant Classification Sherloc (09022015). Collection method: clinical testing. Allele origin: germline.
Comment: Algorithms developed to predict the effect of missense changes on protein structure and function are either unavailable or do not agree on the potential impact of this missense change (SIFT: "Tolerated"; PolyPhen-2: "Possibly Damaging"; Align-GVGD: "Class C0"). In summary, the available evidence is currently insufficient to determine the role of this variant in disease. Therefore, it has been classified as a Variant of Uncertain Significance. This variant has not been reported in the literature in individuals affected with CARS2-related conditions. This variant is not present in population databases (gnomAD no frequency). This sequence change replaces tryptophan, which is neutral and slightly polar, with arginine, which is basic and polar, at codon 75 of the CARS2 protein (p.Trp75Arg).

NM_024537.4(CARS2):c.223T>C (p.Trp75Arg)

Gene: CARS2 (cysteinyl-tRNA synthetase 2, mitochondrial; minus strand). Cytogenetic location: 13q34.
Variant type: single nucleotide variant.
Coding change: c.223T>C on transcript NM_024537.4 (MANE Select); coding-DNA position 223, T replaced by C.
Protein change: p.Trp75Arg; replaces tryptophan 75 with arginine.
Molecular consequence: missense variant. On other transcripts: non-coding transcript variant (1), intron variant (1).
Genome position (GRCh38, 1-based): chr13:110,705,871, A>G on the plus strand (T>C on the coding strand, the complement: CARS2 is on the minus strand). VCF-style: chr13-110705871-A-G. GRCh37 (hg19) VCF-style: chr13-111358218-A-G.
Other names: c.223T>C, p.Trp75Arg (NM_001352253.3); c.-775-300T>C (NM_001352252.2); short protein forms W75R.
Identifiers: ClinVar variation 2090255 (VCV002090255.4), dbSNP rs2502280519, ClinGen allele CA388743074.